The following is an entry in ClinVar:

ClinVar aggregate classification (germline): Pathogenic (1 of 4 stars; one submission).

Submission:

Labcorp Genetics (formerly Invitae), Labcorp
Classification: Pathogenic. Last evaluated: 2023-10-04. Review status: criteria provided, single submitter. Criteria: Invitae Variant Classification Sherloc (09022015). Collection method: clinical testing. Allele origin: germline.
Comment: This sequence change creates a premature translational stop signal (p.Leu33Glyfs*20) in the MUT gene. It is expected to result in an absent or disrupted protein product. Loss-of-function variants in MUT are known to be pathogenic (PMID: 15781192). This variant is not present in population databases (gnomAD no frequency). This variant has not been reported in the literature in individuals affected with MUT-related conditions. For these reasons, this variant has been classified as Pathogenic.

Literature cited by the submitters: PubMed 15781192.

NM_000255.4(MMUT):c.96_97insGG (p.Leu33fs)

Gene: MMUT (methylmalonyl-CoA mutase; minus strand). Cytogenetic location: 6p12.3.
Variant type: Insertion.
Coding change: c.96_97insGG on transcript NM_000255.4 (MANE Select); coding-DNA positions 96 to 97, GG inserted.
Protein change: p.Leu33fs; shifts the reading frame from leucine 33.
Molecular consequence: frameshift variant.
Genome position: GRCh38 VCF-style: chr6-49459370-G-GCC. GRCh37 (hg19) VCF-style: chr6-49427083-G-GCC.
Other names: short protein forms L33fs.
Identifiers: ClinVar variation 2767828 (VCV002767828.3), dbSNP rs2481350917, ClinGen allele CA2697553435.
Genomic context (GRCh38, chr6:49,459,370, plus strand): 5'-CTTTCAGCTGCTTTTTAGCCAGGGCAGCCCATTCTGGGTGAAGGGGCTGTTGCTGGTGTA[G>GCC]AAGTCGTTGCTGTATGAGCCTGGAGCCTGATGATTCTTTTACCTGCCTCAGGTAATGAGG-3'